The following is an entry in ClinVar:

ClinVar aggregate classification (germline): Pathogenic (1 of 4 stars; one submission).

Conditions:
Hypertrophic cardiomyopathy 9. Also called: Familial hypertrophic cardiomyopathy 9. Identifiers: MedGen C1861065, MONDO:0013412, OMIM 613765.
Myopathy, myofibrillar, 9, with early respiratory failure (MFM9). Also called: Hereditary myopathy with early respiratory failure; EDSTROM MYOPATHY; MYOPATHY, PROXIMAL, WITH EARLY RESPIRATORY MUSCLE INVOLVEMENT; Myopathy, distal, with early respiratory failure, autosomal dominant. Identifiers: Orphanet 178464, Orphanet 34521, MedGen C1863599, MONDO:0011362, OMIM 603689.
Early-onset myopathy with fatal cardiomyopathy (CMYO5). Also called: CONGENITAL MYOPATHY 5 WITH CARDIOMYOPATHY; Salih Myopathy. Identifiers: Orphanet 289377, MedGen C2673677, MONDO:0012714, OMIM 611705. Disease mechanism: loss of function.
Autosomal recessive limb-girdle muscular dystrophy type 2J (LGMDR10). Also called: Limb-girdle muscular dystrophy, type 2J; MUSCULAR DYSTROPHY, LIMB-GIRDLE, AUTOSOMAL RECESSIVE 10. Identifiers: Orphanet 140922, MedGen C1837342, MONDO:0012127, OMIM 608807.
Dilated cardiomyopathy 1G (CMD1G). Identifiers: Orphanet 154, MedGen C1858763, MONDO:0011400, OMIM 604145.
Tibial muscular dystrophy (TMD). Also called: UDD MYOPATHY; Udd Distal Myopathy – Tibial Muscular Dystrophy; Tibial muscular dystrophy, tardive. Identifiers: Orphanet 609, MedGen C1838244, MONDO:0010870, OMIM 600334.

Submission:

Juno Genomics, Hangzhou Juno Genomics, Inc
Classification: Pathogenic for Dilated cardiomyopathy 1G; Hypertrophic cardiomyopathy 9; Autosomal recessive limb-girdle muscular dystrophy type 2J; Myopathy, myofibrillar, 9, with early respiratory failure; Early-onset myopathy with fatal cardiomyopathy; Tibial muscular dystrophy. Review status: criteria provided, single submitter. Criteria: ACMG Guidelines, 2015. Collection method: clinical testing. Allele origin: germline.
Comment: Absent from controls (or at extremely low frequency if recessive) in Genome Aggregation Database.;Null variant in a gene where loss of function (LOF) is a known mechanism of disease.;For recessive disorders, detected in trans with a pathogenic variant.

NM_001267550.2(TTN):c.15865G>T (p.Glu5289Ter)

Gene: TTN (titin; minus strand). Cytogenetic location: 2q31.2.
Variant type: single nucleotide variant.
Coding change: c.15865G>T on transcript NM_001267550.2 (MANE Select); coding-DNA position 15865, G replaced by T.
Protein change: p.Glu5289Ter; replaces glutamic acid 5289 with a stop codon.
Molecular consequence: nonsense. On other transcripts: intron variant (3).
Genome position (GRCh38, 1-based): chr2:178,733,428, C>A on the plus strand (G>T on the coding strand, the complement: TTN is on the minus strand). VCF-style: chr2-178733428-C-A. GRCh37 (hg19) VCF-style: chr2-179598155-C-A.
Other names: c.14914G>T, p.Glu4972Ter (NM_001256850.1); c.12133G>T, p.Glu4045Ter (NM_133378.4); c.13282+4654G>T (NM_003319.4); c.13858+4654G>T (NM_133437.4); c.13657+4654G>T (NM_133432.3); short protein forms E4045*, E5289*, E4972*.
Identifiers: ClinVar variation 5006160 (VCV005006160.2).